The following is an entry in ClinVar:

ClinVar aggregate classification (germline): Pathogenic (1 of 4 stars; one submission).

Submission:

Labcorp Genetics (formerly Invitae), Labcorp
Classification: Pathogenic. Last evaluated: 2023-09-25. Review status: criteria provided, single submitter. Criteria: Invitae Variant Classification Sherloc (09022015). Collection method: clinical testing. Allele origin: germline.
Comment: This variant has not been reported in the literature in individuals affected with FAM161A-related conditions. This variant is not present in population databases (gnomAD no frequency). For these reasons, this variant has been classified as Pathogenic. This sequence change creates a premature translational stop signal (p.Ala478Serfs*3) in the FAM161A gene. It is expected to result in an absent or disrupted protein product. Loss-of-function variants in FAM161A are known to be pathogenic (PMID: 20705278, 20705279, 24651477).

Literature cited by the submitters: PubMed 20705278; PubMed 20705279; PubMed 24651477.

NM_001201543.2(FAM161A):c.1431dup (p.Ala478fs)

Gene: FAM161A (FAM161 centrosomal protein A; minus strand). Cytogenetic location: 2p15.
Variant type: Duplication.
Coding change: c.1431dup on transcript NM_001201543.2 (MANE Select); coding-DNA position 1431, one base duplicated (A; older notation c.1431dupA).
Protein change: p.Ala478fs; shifts the reading frame from alanine 478.
Molecular consequence: frameshift variant. On other transcripts: non-coding transcript variant (1).
Genome position (GRCh38, 1-based): chr2:61,839,573, T duplicated on the plus strand (A on the coding strand, the reverse complement: FAM161A is on the minus strand); the first of 2 consecutive T bases (chr2:61,839,573-61,839,574); duplicating either gives the same sequence. VCF-style (leftmost placement, unchanged base first): chr2-61839572-C-CT. GRCh37 (hg19) VCF-style: chr2-62066707-C-CT.
Other names: c.1431dup, p.Ala478fs (NM_032180.3); short protein forms A478fs.
Identifiers: ClinVar variation 2763303 (VCV002763303.3), dbSNP rs2466022979, ClinGen allele CA2697548198.